The following is an entry in ClinVar:

NM_001852.4(COL9A2):c.1097C>T (p.Pro366Leu)

Gene: COL9A2 (collagen type IX alpha 2 chain; minus strand). Cytogenetic location: 1p34.2.
Variant type: single nucleotide variant.
Coding change: c.1097C>T on transcript NM_001852.4 (MANE Select); coding-DNA position 1097, C replaced by T.
Protein change: p.Pro366Leu; replaces proline 366 with leucine.
Molecular consequence: missense variant.
Genome position (GRCh38, 1-based): chr1:40,305,725, G>A on the plus strand (C>T on the coding strand, the complement: COL9A2 is on the minus strand). VCF-style: chr1-40305725-G-A. GRCh37 (hg19) VCF-style: chr1-40771397-G-A.
Other names: c.1097C>T (NM_001852.3); short protein forms P366L.
Identifiers: ClinVar variation 1517750 (VCV001517750.7), dbSNP rs1644018316, ClinGen allele CA339851035.

ClinVar aggregate classification (germline): Uncertain significance. Review status: criteria provided, multiple submitters, no conflicts (2 of 4 stars). 2 submissions from 2 submitters: Uncertain significance (2). Last evaluated 2025-10-02.

Conditions:
COL9A2-related disorder. Also called: COL9A2-related condition.

Allele frequency attached by ClinVar (database versions not stated): gnomAD exomes 0.00001.
gnomAD v4.1: 7 of 1,614,024 alleles (0.00043%); highest among the groups gnomAD compares: African/African-American, 0.0013%; no homozygotes.

Submissions (2):

PreventionGenetics, part of Exact Sciences
Classification: Uncertain significance for COL9A2-related condition. Last evaluated: 2025-10-02. Review status: criteria provided, single submitter. Criteria: ACMG Guidelines, 2015. Collection method: clinical testing. Allele origin: germline.
Comment: The COL9A2 c.1097C>T variant is predicted to result in the amino acid substitution p.Pro366Leu. To our knowledge, this variant has not been reported in the literature or in a large population database (gnomAD), indicating this variant is rare. At this time, the clinical significance of this variant is uncertain due to the absence of conclusive functional and genetic evidence.

Labcorp Genetics (formerly Invitae), Labcorp
Classification: Uncertain significance. Last evaluated: 2022-08-19. Review status: criteria provided, single submitter. Criteria: Invitae Variant Classification Sherloc (09022015). Collection method: clinical testing. Allele origin: germline.
Comment: This variant is not present in population databases (gnomAD no frequency). This sequence change replaces proline, which is neutral and non-polar, with leucine, which is neutral and non-polar, at codon 366 of the COL9A2 protein (p.Pro366Leu). This variant has not been reported in the literature in individuals affected with COL9A2-related conditions. ClinVar contains an entry for this variant (Variation ID: 1517750). Advanced modeling of protein sequence and biophysical properties (such as structural, functional, and spatial information, amino acid conservation, physicochemical variation, residue mobility, and thermodynamic stability) performed at Invitae indicates that this missense variant is not expected to disrupt COL9A2 protein function. In summary, the available evidence is currently insufficient to determine the role of this variant in disease. Therefore, it has been classified as a Variant of Uncertain Significance.